The following is an entry in ClinVar:

NM_030665.4(RAI1):c.1182_1183del (p.Leu395fs)

Gene: RAI1 (retinoic acid induced 1; plus strand). Cytogenetic location: 17p11.2.
Variant type: Deletion.
Coding change: c.1182_1183del on transcript NM_030665.4 (MANE Select); coding-DNA positions 1182 to 1183, 2 bases deleted (CC; older notation c.1182_1183delCC).
Protein change: p.Leu395fs; shifts the reading frame from leucine 395.
Molecular consequence: frameshift variant.
Genome position (GRCh38, 1-based): chr17:17,794,130-17,794,131, CC deleted; deleting any 2 consecutive bases within chr17:17,794,128-17,794,131 gives the same sequence; the c. name uses the placement nearest the transcript's 3' end. VCF-style (leftmost placement, unchanged base first): chr17-17794127-GCC-G. GRCh37 (hg19) VCF-style: chr17-17697441-GCC-G.
Other names: c.1182_1183delCC (NM_030665.3); short protein forms L395fs.
Identifiers: ClinVar variation 4879323 (VCV004879323.2).

ClinVar aggregate classification (germline): Pathogenic/Likely pathogenic. Review status: criteria provided, multiple submitters, no conflicts (2 of 4 stars). 2 submissions from 2 submitters: Pathogenic (1); Likely pathogenic (1). Last evaluated 2026-09-23.

Conditions:
Smith-Magenis syndrome (SMS). Also called: CHROMOSOME 17p11.2 DELETION SYNDROME. Identifiers: Orphanet 819, MedGen C0795864, MONDO:0008434, OMIM 182290.
RAI1-related disorder. Also called: RAI1-related condition.

Submissions (2):

PreventionGenetics, part of Exact Sciences
Classification: Likely pathogenic for RAI1-related condition. Last evaluated: 2026-09-23. Review status: criteria provided, single submitter. Criteria: ACMG Guidelines, 2015. Collection method: clinical testing. Allele origin: germline.
Comment: The RAI1 c.1182_1183delCC variant is predicted to result in a frameshift and premature protein termination (p.Leu395Alafs*29). To our knowledge, this variant has not been reported in the literature or in a large population database (gnomAD), indicating this variant is rare. Frameshift variants in RAI1 are expected to be pathogenic. This variant is interpreted as likely pathogenic.

Clinical Genomics Laboratory, Washington University in St. Louis
Classification: Pathogenic for Smith-Magenis syndrome. Last evaluated: 2025-10-06. Review status: criteria provided, single submitter. Criteria: ACMG Guidelines, 2015. Collection method: clinical testing. Allele origin: germline. Affected: yes.
Comment: The RAI1 c.1182_1183del (p.Leu395Alafs*29) variant, to our knowledge, has not been reported in the medical literature. This variant is absent from the general population (gnomAD v2.1.1), indicating it is not a common variant. This variant causes a frameshift by deleting two nucleotides, leading to a premature termination codon, which is predicted to lead to nonsense-mediated decay. Based on available information and the ACMG/AMP guidelines for variant interpretation (Richards S et al., PMID: 25741868), this variant is classified as pathogenic.